The following is an entry in ClinVar:

ClinVar aggregate classification (germline): Likely pathogenic (1 of 4 stars; one submission).

Conditions:
Perrault syndrome 2 (PRLTS2). Identifiers: Orphanet 2855, Orphanet 642976, MedGen C3554105, MONDO:0013972, OMIM 614926.

gnomAD v4.1: 16 of 1,614,044 alleles (0.00099%); highest among the groups gnomAD compares: African/African-American, 0.015%; no homozygotes.

Submission:

Genetics Department, Hospital Ramon y Cajal-IRYCIS
Classification: Likely pathogenic for Perrault syndrome 2. Last evaluated: 2024-06-14. Review status: criteria provided, single submitter. Criteria: ClinGen HL ACMG Specifications v1. Collection method: research. Allele origin: maternal. Affected: yes.
Comment: Found in trans with NM_012208.4:c.728A>C

NM_012208.4(HARS2):c.1012G>A (p.Glu338Lys)

Gene: HARS2 (histidyl-tRNA synthetase 2, mitochondrial; plus strand). Cytogenetic location: 5q31.3.
Variant type: single nucleotide variant.
Coding change: c.1012G>A on transcript NM_012208.4 (MANE Select); coding-DNA position 1012, G replaced by A.
Protein change: p.Glu338Lys; replaces glutamic acid 338 with lysine.
Molecular consequence: missense variant.
Genome position (GRCh38, 1-based): chr5:140,697,221, G>A. VCF-style: chr5-140697221-G-A. GRCh37 (hg19) VCF-style: chr5-140076806-G-A.
Other names: c.937G>A, p.Glu313Lys (NM_001278731.2); c.580G>A, p.Glu194Lys (NM_001278732.2); c.1030G>A, p.Glu344Lys (NM_001363535.2); c.802G>A, p.Glu268Lys (NM_001363536.2); short protein forms E194K, E268K, E313K, E338K, E344K.
Identifiers: ClinVar variation 3242247 (VCV003242247.1).
Genomic context (GRCh38, chr5:140,697,221, plus strand): 5'-CAGATCTCCTTTGACCTCAGCCTGGCTCGGGGCCTAGACTACTATACAGGAGTGATCTAT[G>A]AAGCAGTGCTGCTGCAGACCCCAACTCAGGCTGGGGAGGAGCCCCTGAATGTGGGCAGTG-3'
Protein context (NP_036340.1, residues 328-348): GLDYYTGVIY[Glu338Lys]AVLLQTPTQA